The following is an entry in ClinVar:

NM_000189.5(HK2):c.501C>T (p.Phe167=)

Gene: HK2 (hexokinase 2; plus strand). Cytogenetic location: 2p12.
Variant type: single nucleotide variant.
Coding change: c.501C>T on transcript NM_000189.5 (MANE Select); coding-DNA position 501, C replaced by T.
Protein change: p.Phe167=; no amino-acid change (phenylalanine 167 retained).
Molecular consequence: synonymous variant.
Genome position (GRCh38, 1-based): chr2:74,873,281, C>T. VCF-style: chr2-74873281-C-T. GRCh37 (hg19) VCF-style: chr2-75100408-C-T.
Other names: c.417C>T, p.Phe139= (NM_001371525.2).
Identifiers: ClinVar variation 3042674 (VCV003042674.2), dbSNP rs138918973, ClinGen allele CA1731112.

ClinVar aggregate classification (germline): Likely benign (0 of 4 stars; one submission).

Conditions:
HK2-related disorder. Also called: HK2-related condition.

Allele frequency attached by ClinVar (database versions not stated): 1000 Genomes Project 0.00020; gnomAD exomes 0.00032; 1000 Genomes Project 30x 0.00016; TOPMed 0.00028; ESP Exome Variant Server 0.00023; gnomAD 0.00037; ExAC 0.00040.
gnomAD v4.1: 543 of 1,612,806 alleles (0.034%); highest among the groups gnomAD compares: Middle Eastern, 0.38%; 2 homozygotes.

Submission:

PreventionGenetics, part of Exact Sciences
Classification: Likely benign for HK2-related condition. Last evaluated: 2019-04-25. Review status: no assertion criteria provided. Collection method: clinical testing. Allele origin: germline.
Comment: This variant is classified as likely benign based on ACMG/AMP sequence variant interpretation guidelines (Richards et al. 2015 PMID: 25741868, with internal and published modifications).